The following is an entry in ClinVar:

NM_014714.4(IFT140):c.3252G>A (p.Ala1084=)

Gene: IFT140 (intraflagellar transport 140; minus strand). Cytogenetic location: 16p13.3.
Variant type: single nucleotide variant.
Coding change: c.3252G>A on transcript NM_014714.4 (MANE Select); coding-DNA position 3252, G replaced by A.
Protein change: p.Ala1084=; no amino-acid change (alanine 1084 retained).
Molecular consequence: synonymous variant.
Genome position (GRCh38, 1-based): chr16:1,523,846, C>T on the plus strand (G>A on the coding strand, the complement: IFT140 is on the minus strand). VCF-style: chr16-1523846-C-T. GRCh37 (hg19) VCF-style: chr16-1573847-C-T.
Identifiers: ClinVar variation 718928 (VCV000718928.14), dbSNP rs375975334, ClinGen allele CA7813241.

ClinVar aggregate classification (germline): Conflicting classifications of pathogenicity. Review status: criteria provided, conflicting classifications (1 of 4 stars). 4 submissions from 4 submitters: Uncertain significance (1); Likely benign (3). Last evaluated 2026-05-25.

Conditions:
IFT140-related disorder. Also called: IFT140-related condition.
Saldino-Mainzer syndrome (SRTD9). Also called: short-rib thoracic dysplasia 9 with or without polydactyly; SHORT-RIB THORACIC DYSPLASIA 9 WITHOUT POLYDACTYLY; CONORENAL SYNDROME; Renal dysplasia, retinal pigmentary dystrophy, cerebellar ataxia and skeletal dysplasia. Identifiers: Orphanet 140969, MedGen C1849437, MONDO:0009964, OMIM 266920.

Allele frequency attached by ClinVar (database versions not stated): gnomAD 0.00004 and 0.00006; TOPMed 0.00006; ESP Exome Variant Server 0.00023.
gnomAD v4.1: 115 of 1,613,096 alleles (0.0071%); highest among the groups gnomAD compares: Middle Eastern, 0.016%; no homozygotes.

Submissions (4):

PreventionGenetics, part of Exact Sciences
Classification: Likely benign for IFT140-related condition. Last evaluated: 2026-05-25. Review status: criteria provided, single submitter. Criteria: ACMG Guidelines, 2015. Collection method: clinical testing. Allele origin: germline.
Comment: This variant is classified as likely benign based on ACMG/AMP sequence variant interpretation guidelines (Richards et al. 2015 PMID: 25741868, with internal and published modifications).

Labcorp Genetics (formerly Invitae), Labcorp
Classification: Likely benign for Saldino-Mainzer syndrome. Last evaluated: 2026-01-17. Review status: criteria provided, single submitter. Criteria: Invitae Variant Classification Sherloc (09022015). Collection method: clinical testing. Allele origin: germline.

Blueprint Genetics
Classification: Likely benign. Last evaluated: 2024-08-13. Review status: criteria provided, single submitter. Criteria: ACMG Guidelines, 2015. Collection method: clinical testing. Allele origin: germline.

Illumina Laboratory Services, Illumina
Classification: Uncertain significance for Saldino-Mainzer syndrome. Last evaluated: 2018-01-13. Review status: criteria provided, single submitter. Criteria: ICSL Variant Classification Criteria 13 December 2019. Collection method: clinical testing. Allele origin: germline.